The following is an entry in ClinVar:

ClinVar aggregate classification (germline): Benign (1 of 4 stars; one submission).

Allele frequency attached by ClinVar (database versions not stated): 1000 Genomes Project 0.02696; 1000 Genomes Project 30x 0.02889; TOPMed 0.06675; gnomAD 0.07142 and 0.07453.
gnomAD v4.1: 10,939 of 152,256 alleles (7.2%); highest among the groups gnomAD compares: Non-Finnish European, 12%; 549 homozygotes.

Submission:

GeneDx
Classification: Benign. Last evaluated: 2018-06-14. Review status: criteria provided, single submitter. Criteria: GeneDx Variant Classification (06012015). Collection method: clinical testing. Allele origin: germline. Affected: yes.
Comment: This variant is considered likely benign or benign based on one or more of the following criteria: it is a conservative change, it occurs at a poorly conserved position in the protein, it is predicted to be benign by multiple in silico algorithms, and/or has population frequency not consistent with disease.

NM_000108.5(DLD):c.267+235C>T

Gene: DLD (dihydrolipoamide dehydrogenase; plus strand). Cytogenetic location: 7q31.1.
Variant type: single nucleotide variant.
Coding change: c.267+235C>T on transcript NM_000108.5 (MANE Select); 235 bases into the intron after coding-DNA position 267, C replaced by T.
Molecular consequence: intron variant.
Genome position (GRCh38, 1-based): chr7:107,902,628, C>T. VCF-style: chr7-107902628-C-T. GRCh37 (hg19) VCF-style: chr7-107543073-C-T.
Other names: c.267+235C>T (NM_001289752.1); c.198+811C>T (NM_001289751.1); c.-30-850C>T (NM_001289750.1).
Identifiers: ClinVar variation 671369 (VCV000671369.1), dbSNP rs75756553, ClinGen allele CA15536671.